The following is an entry in ClinVar:

ClinVar aggregate classification (germline): Uncertain significance (1 of 4 stars; one submission).

Submission:

GeneDx
Classification: Uncertain significance. Last evaluated: 2024-07-16. Review status: criteria provided, single submitter. Criteria: GeneDx Variant Classification Process June 2021. Collection method: clinical testing. Allele origin: germline. Affected: yes.
Comment: Not observed at significant frequency in large population cohorts (gnomAD); In silico analysis supports that this missense variant has a deleterious effect on protein structure/function; Has not been previously published as pathogenic or benign to our knowledge

NM_001145026.2(PTPRQ):c.6378T>A (p.Phe2126Leu)

Gene: PTPRQ (protein tyrosine phosphatase receptor type Q; plus strand). Cytogenetic location: 12q21.31.
Variant type: single nucleotide variant.
Coding change: c.6378T>A on transcript NM_001145026.2 (MANE Select); coding-DNA position 6378, T replaced by A.
Protein change: p.Phe2126Leu; replaces phenylalanine 2126 with leucine.
Molecular consequence: missense variant.
Genome position (GRCh38, 1-based): chr12:80,669,389, T>A. VCF-style: chr12-80669389-T-A. GRCh37 (hg19) VCF-style: chr12-81063168-T-A.
Other names: short protein forms F2126L.
Identifiers: ClinVar variation 3573713 (VCV003573713.1).